The following is an entry in ClinVar:

NM_001127222.2(CACNA1A):c.1271C>A (p.Thr424Asn)

Gene: CACNA1A (calcium voltage-gated channel subunit alpha1 A; minus strand). Cytogenetic location: 19p13.13.
Variant type: single nucleotide variant.
Coding change: c.1271C>A on transcript NM_001127222.2 (MANE Select); coding-DNA position 1271, C replaced by A.
Protein change: p.Thr424Asn; replaces threonine 424 with asparagine.
Molecular consequence: missense variant.
Genome position (GRCh38, 1-based): chr19:13,330,318, G>T on the plus strand (C>A on the coding strand, the complement: CACNA1A is on the minus strand). VCF-style: chr19-13330318-G-T. GRCh37 (hg19) VCF-style: chr19-13441132-G-T.
Other names: c.1274C>A, p.Thr425Asn (NM_000068.4, NM_001127221.2, NM_001174080.2 and 1 more transcripts); short protein forms T424N, T425N.
Identifiers: ClinVar variation 1766183 (VCV001766183.2), dbSNP rs1357654531, ClinGen allele CA404346196.
Genomic context (GRCh38, chr19:13,330,318, plus strand): 5'-TCAGCCAGCTGATCCTCAGCCTCTTCGGGGTTGAGCAAATCTGTCTTGCTTTTCTTTATG[G>T]TGGTTCTCCGCAGAGCTCCAACAATGGAAACATGGCAAGAGAAAAAGACGTTACCCTTTT-3'
Protein context (NP_001120694.1, residues 414-434): RHPFDALRRT[Thr424Asn]IKKSKTDLLN

ClinVar aggregate classification (germline): Uncertain significance (1 of 4 stars; one submission).

Conditions:
Inborn genetic diseases. Identifiers: MedGen C0950123, MeSH D030342.

Submission:

Ambry Genetics
Classification: Uncertain significance for Inborn genetic diseases. Last evaluated: 2019-07-30. Review status: criteria provided, single submitter. Criteria: Ambry Variant Classification Scheme 2023. Collection method: clinical testing. Allele origin: germline.
Comment: The p.T425N variant (also known as c.1274C>A), located in coding exon 10 of the CACNA1A gene, results from a C to A substitution at nucleotide position 1274. The threonine at codon 425 is replaced by asparagine, an amino acid with similar properties. This amino acid position is well conserved in available vertebrate species. In addition, the in silico prediction for this alteration is inconclusive. Since supporting evidence is limited at this time, the clinical significance of this alteration remains unclear.